The following is an entry in ClinVar:

NM_001620.3(AHNAK):c.9865A>C (p.Asn3289His)

Gene: AHNAK (AHNAK nucleoprotein; minus strand). Cytogenetic location: 11q12.3.
Variant type: single nucleotide variant.
Coding change: c.9865A>C on transcript NM_001620.3 (MANE Select); coding-DNA position 9865, A replaced by C.
Protein change: p.Asn3289His; replaces asparagine 3289 with histidine.
Molecular consequence: missense variant. On other transcripts: intron variant (1).
Genome position (GRCh38, 1-based): chr11:62,524,552, T>G on the plus strand (A>C on the coding strand, the complement: AHNAK is on the minus strand). VCF-style: chr11-62524552-T-G. GRCh37 (hg19) VCF-style: chr11-62292024-T-G.
Other names: c.9865A>C (NM_001620.1); c.9865A>C, p.Asn3289His (NM_001346445.2, NM_001346446.2); c.342+10451A>C (NM_024060.4); short protein forms N3289H.
Identifiers: ClinVar variation 2641870 (VCV002641870.25), dbSNP rs753501713, ClinGen allele CA6045064.

ClinVar aggregate classification (germline): Uncertain significance. Review status: criteria provided, multiple submitters, no conflicts (2 of 4 stars). 2 submissions from 2 submitters: Uncertain significance (2). Last evaluated 2024-08-15.

Allele frequency attached by ClinVar (database versions not stated): ExAC 0.00001; TOPMed 0.00001.
gnomAD v4.1: 18 of 1,614,154 alleles (0.0011%); highest among the groups gnomAD compares: Admixed American, 0.005%; no homozygotes.

Submissions (2):

Ambry Genetics
Classification: Uncertain significance. Last evaluated: 2024-08-15. Review status: criteria provided, single submitter. Criteria: Ambry Variant Classification Scheme 2023. Collection method: clinical testing. Allele origin: germline.

CeGaT Center for Human Genetics Tuebingen
Classification: Uncertain significance. Last evaluated: 2023-09-01. Review status: criteria provided, single submitter. Criteria: CeGaT Center For Human Genetics Tuebingen Variant Classification Criteria Version 2. Collection method: clinical testing. Allele origin: germline. Affected: yes. Observed: 1 variant allele.
Comment: AHNAK: PM2, BP4